The following is an entry in ClinVar:

ClinVar aggregate classification (germline): Uncertain significance (1 of 4 stars; one submission).

Conditions:
Inborn genetic diseases. Identifiers: MedGen C0950123, MeSH D030342.

Submission:

Ambry Genetics
Classification: Uncertain significance for Inborn genetic diseases. Last evaluated: 2026-07-19. Review status: criteria provided, single submitter. Criteria: Ambry Variant Classification Scheme 2023. Collection method: clinical testing. Allele origin: germline.
Comment: The p.S925T variant (also known as c.2773T>A), located in coding exon 28 of the RTEL1 gene, results from a T to A substitution at nucleotide position 2773. The serine at codon 925 is replaced by threonine, an amino acid with similar properties. This amino acid position is conserved. In addition, this alteration is predicted to be tolerated by in silico analysis. Based on the available evidence, the clinical significance of this variant remains unclear.

NM_001283009.2(RTEL1):c.2773T>A (p.Ser925Thr)

Genes: RTEL1 (regulator of telomere elongation helicase 1; plus strand), RTEL1-TNFRSF6B (RTEL1-TNFRSF6B readthrough (NMD candidate); plus strand). Cytogenetic location: 20q13.33.
Variant type: single nucleotide variant.
Coding change: c.2773T>A on transcript NM_001283009.2 (MANE Select); coding-DNA position 2773, T replaced by A.
Protein change: p.Ser925Thr; replaces serine 925 with threonine.
Molecular consequence: missense variant. On other transcripts: non-coding transcript variant (1).
Genome position (GRCh38, 1-based): chr20:63,692,925, T>A. VCF-style: chr20-63692925-T-A. GRCh37 (hg19) VCF-style: chr20-62324278-T-A.
Other names: c.2104T>A, p.Ser702Thr (NM_001283010.1); c.2773T>A, p.Ser925Thr (NM_016434.4); c.2845T>A, p.Ser949Thr (NM_032957.5); short protein forms S925T, S702T, S949T.
Identifiers: ClinVar variation 5028485 (VCV005028485.1).